The following is an entry in ClinVar:

NM_000238.4(KCNH2):c.1262C>G (p.Thr421Arg)

Gene: KCNH2 (potassium voltage-gated channel subfamily H member 2; minus strand). Cytogenetic location: 7q36.1.
Variant type: single nucleotide variant.
Coding change: c.1262C>G on transcript NM_000238.4 (MANE Select); coding-DNA position 1262, C replaced by G.
Protein change: p.Thr421Arg; replaces threonine 421 with arginine.
Molecular consequence: missense variant.
Genome position (GRCh38, 1-based): chr7:150,952,720, G>C on the plus strand (C>G on the coding strand, the complement: KCNH2 is on the minus strand). VCF-style: chr7-150952720-G-C. GRCh37 (hg19) VCF-style: chr7-150649808-G-C.
Other names: c.242C>G, p.Thr81Arg (NM_001204798.2, NM_172057.3); c.974C>G, p.Thr325Arg (NM_001406753.1, NM_001406756.1); c.1085C>G, p.Thr362Arg (NM_001406755.1); c.962C>G, p.Thr321Arg (NM_001406757.1); c.1262C>G, p.Thr421Arg (NM_172056.3); short protein forms T321R, T325R, T81R, T362R, T421R.
Identifiers: ClinVar variation 2006007 (VCV002006007.4), dbSNP rs199472894, ClinGen allele CA369860100.

ClinVar aggregate classification (germline): Uncertain significance (1 of 4 stars; one submission).

Conditions:
Long QT syndrome (LQTS). Identifiers: MedGen C0023976, MeSH D008133, MONDO:0002442. Disease mechanism: loss of function. Inheritance: Various modes of inheritance.

Submission:

Labcorp Genetics (formerly Invitae), Labcorp
Classification: Uncertain significance for Long QT syndrome. Last evaluated: 2022-06-13. Review status: criteria provided, single submitter. Criteria: Invitae Variant Classification Sherloc (09022015). Collection method: clinical testing. Allele origin: germline.
Comment: This missense change has been observed in individual(s) with long QT syndrome (Invitae). This sequence change replaces threonine, which is neutral and polar, with arginine, which is basic and polar, at codon 421 of the KCNH2 protein (p.Thr421Arg). This variant is not present in population databases (gnomAD no frequency). Algorithms developed to predict the effect of missense changes on protein structure and function (SIFT, PolyPhen-2, Align-GVGD) all suggest that this variant is likely to be disruptive. This variant disrupts the p.Thr421 amino acid residue in KCNH2. Other variant(s) that disrupt this residue have been determined to be pathogenic (PMID: 23136156, 23303164; Invitae). This suggests that this residue is clinically significant, and that variants that disrupt this residue are likely to be disease-causing. In summary, the available evidence is currently insufficient to determine the role of this variant in disease. Therefore, it has been classified as a Variant of Uncertain Significance.

Literature cited by the submitters: PubMed 23136156; PubMed 23303164.